The following is an entry in ClinVar:

NM_006073.4(TRDN):c.550+1_550+2insA

Gene: TRDN (triadin; minus strand). Cytogenetic location: 6q22.31.
Variant type: Insertion.
Coding change: c.550+1_550+2insA on transcript NM_006073.4 (MANE Select); the canonical splice donor site of the intron after coding-DNA position 550, A inserted.
Molecular consequence: splice donor variant.
Genome position: GRCh38 VCF-style: chr6-123516139-A-AT. GRCh37 (hg19) VCF-style: chr6-123837284-A-AT.
Other names: c.550+1_550+2insA (NM_006073.2, NM_006073.3, NM_001251987.2 and 2 more transcripts).
Identifiers: ClinVar variation 2150160 (VCV002150160.6), dbSNP rs1245664073, ClinGen allele CA818346598.

ClinVar aggregate classification (germline): Conflicting classifications of pathogenicity. Review status: criteria provided, conflicting classifications (1 of 4 stars). 3 submissions from 3 submitters: Likely pathogenic (2); Uncertain significance (1). Last evaluated 2024-08-28.

Conditions:
Cardiovascular phenotype. Identifiers: MedGen CN230736.
Catecholaminergic polymorphic ventricular tachycardia 1. Also called: VENTRICULAR TACHYCARDIA, STRESS-INDUCED POLYMORPHIC 1; RYR2-Related Catecholaminergic Polymorphic Ventricular Tachycardia; VENTRICULAR TACHYCARDIA, CATECHOLAMINERGIC POLYMORPHIC, 1, WITH OR WITHOUT ATRIAL DYSFUNCTION AND/OR DILATED CARDIOMYOPATHY. Identifiers: Orphanet 3286, MedGen C1631597, MONDO:0011484, OMIM 604772.

Allele frequency attached by ClinVar (database versions not stated): TOPMed 0.00002.

Submissions (3):

Ambry Genetics
Classification: Uncertain significance for Cardiovascular phenotype. Last evaluated: 2024-08-28. Review status: criteria provided, single submitter. Criteria: Ambry Variant Classification Scheme 2023. Collection method: clinical testing. Allele origin: germline.
Comment: The c.550+1_550+2insA intronic variant, results from an insertion of one nucleotide between positions c.550+1 and c.550+2 and involves the canonical splice donor site after exon 6 of the TRDN gene. Alterations that disrupt the canonical splice site are expected to result in aberrant splicing. In silico splice site analysis predicts that this alteration will weaken the native splice donor site. The resulting transcript is predicted to be in-frame and is not expected to trigger nonsense-mediated mRNA decay; however, direct evidence is unavailable. The exact functional effect of the altered amino acid sequence is unknown. This canonical splice donor site is highly conserved in available vertebrate species. Based on the available evidence, the clinical significance of this variant remains unclear.

Labcorp Genetics (formerly Invitae), Labcorp
Classification: Likely pathogenic for Catecholaminergic polymorphic ventricular tachycardia 1. Last evaluated: 2023-10-13. Review status: criteria provided, single submitter. Criteria: Invitae Variant Classification Sherloc (09022015). Collection method: clinical testing. Allele origin: germline.
Comment: This sequence change affects a splice site in intron 6 of the TRDN gene. It is expected to disrupt RNA splicing. Variants that disrupt the donor or acceptor splice site typically lead to a loss of protein function (PMID: 16199547), and loss-of-function variants in TRDN are known to be pathogenic (PMID: 22422768, 25922419, 26200674, 30649896). This variant is not present in population databases (gnomAD no frequency). This variant has not been reported in the literature in individuals affected with TRDN-related conditions. ClinVar contains an entry for this variant (Variation ID: 2150160). Algorithms developed to predict the effect of sequence changes on RNA splicing suggest that this variant may disrupt the consensus splice site. In summary, the currently available evidence indicates that the variant is pathogenic, but additional data are needed to prove that conclusively. Therefore, this variant has been classified as Likely Pathogenic.

Women's Health and Genetics/Laboratory Corporation of America, LabCorp
Classification: Likely pathogenic for Catecholaminergic polymorphic ventricular tachycardia 1. Last evaluated: 2023-08-04. Review status: criteria provided, single submitter. Criteria: LabCorp Variant Classification Summary - May 2015. Collection method: clinical testing. Allele origin: germline.
Comment: Variant summary: TRDN c.550+1_550+2insA is located in a canonical splice-site and is predicted to affect mRNA splicing resulting in a significantly altered protein due to either exon skipping, shortening, or inclusion of intronic material. Several computational tools predict a significant impact on normal splicing: Four predict the variant abolishes a canonical 5' splicing donor site. However, these predictions have yet to be confirmed by functional studies. The variant was absent in 144762 control chromosomes (gnomAD). To our knowledge, no occurrence of c.550+1_550+2insA in individuals affected with Catecholaminergic Polymorphic Ventricular Tachycardia and no experimental evidence demonstrating its impact on protein function have been reported. One ClinVar submitter has assessed the variant since 2014, and classified it as likely pathogenic. Based on the evidence outlined above, the variant was classified as likely pathogenic.

Literature cited by the submitters: PubMed 16199547 (cited by Labcorp Genetics (formerly Invitae), Labcorp); PubMed 22422768 (cited by Labcorp Genetics (formerly Invitae), Labcorp); PubMed 25922419 (cited by Labcorp Genetics (formerly Invitae), Labcorp); PubMed 26200674 (cited by Labcorp Genetics (formerly Invitae), Labcorp); PubMed 30649896 (cited by Labcorp Genetics (formerly Invitae), Labcorp).